The following is an entry in ClinVar:

ClinVar aggregate classification (germline): Pathogenic. Review status: criteria provided, multiple submitters, no conflicts (2 of 4 stars). 18 submissions from 18 submitters: Pathogenic (15). 3 of the submissions do not count toward it. Last evaluated 2026-10-19.

Conditions:
RP1-related dominant retinopathy. Identifiers: MedGen CN322606, MONDO:0800400.
RP1-related disorder. Also called: RP1-related condition.
Retinal dystrophy. Also called: Inherited retinal dystrophy. Identifiers: Orphanet 71862, MedGen C0854723, MeSH D058499, MONDO:0019118, HP:0000556.
Retinitis pigmentosa 1 (RP1). Identifiers: Orphanet 791, MedGen C0220701, MONDO:0008377, OMIM 180100.
Retinal disorder. Also called: Retinal disorders; Retinopathy; Retinopathies; Retinal Diseases. Identifiers: MedGen C0035309, MONDO:0005283, HP:0000488.

Allele frequency attached by ClinVar (database versions not stated): gnomAD exomes 0.00001.
gnomAD v4.1: 7 of 1,613,730 alleles (0.00043%); highest among the groups gnomAD compares: Non-Finnish European, 0.00059%; no homozygotes.

Submissions (18):

Department of Ophthalmology, Seoul National University Bundang Hospital
Classification: Pathogenic for RP1-related dominant retinopathy. Last evaluated: 2026-10-19. Review status: criteria provided, single submitter. Criteria: ACMG Guidelines, 2015. Collection method: clinical testing. Allele origin: germline. Inheritance: Autosomal dominant inheritance. Affected: yes.
Comment: Nonsense variant in exon 4, within the dominant cluster. Identified in a Korean multicenter RP1 cohort (PMID:42847597) with dominant retinitis pigmentosa. ACMG/AMP criteria: PVS1, PS4, PM2, PP1. Previously reported by Pierce et al., 1999 (PMID:10391211); Sullivan et al., 1999 (PMID:10391212); Guillonneau et al., 1999 (PMID:10401003); Bowne et al., 1999 (PMID:10484783); Jacobson et al., 2000 (PMID:10845615); Payne et al., 2000 (PMID:11095597); Schwartz et al., 2003 (PMID:12882812); Roberts et al., 2006 (PMID:16568030); Gamundi et al., 2006 (PMID:16597330); Sullivan et al., 2013 (PMID:23950152); Van Cauwenbergh et al., 2017 (PMID:28076437); Martin-Merida et al., 2018 (PMID:29847639); Zhang et al., 2002 (PMID:12901510); Mukhopadhyay et al., 2011 (PMID:21746989); Wang et al., 2018 (PMID:30029497); Nanda et al., 2019 (PMID:30731082); Verbakel et al., 2019 (PMID:30913292); Zenteno et al., 2020 (PMID:31736247).

Genetics Laboratory, Great Ormond Street Hospital NHS Foundation Trust, North Thames Genomic Laboratory Hub
Classification: Pathogenic for Retinal disorders. Last evaluated: 2026-07-08. Review status: criteria provided, single submitter. Criteria: ACGS Best Practice Guidelines for Variant Classification in Rare Disease 2024 v1.2. Collection method: clinical testing. Allele origin: germline. Affected: yes.
Comment: PS4_moderate, PM2_moderate, PVS1_strong, PP1_strong

PreventionGenetics, part of Exact Sciences
Classification: Pathogenic for RP1-related condition. Last evaluated: 2026-06-08. Review status: criteria provided, single submitter. Criteria: ACMG Guidelines, 2015. Collection method: clinical testing. Allele origin: germline.
Comment: The RP1 c.2029C>T variant is predicted to result in premature protein termination (p.Arg677*). This variant has been reported many times as causative for autosomal dominant retinitis pigmentosa (see for examples: Pierce et al. 1999. PubMed ID: 10391211; Guillonneau et al. 1999. PubMed ID: 10401003; Martin-Merida et al. 2018. PubMed ID: 29847639). This variant is absent in a large population database (gnomAD), indicating it is rare. Nonsense variants in RP1 are an established mechanism of disease. Given all the evidence, we interpret this variant as pathogenic for autosomal dominant disease.

Labcorp Genetics (formerly Invitae), Labcorp
Classification: Pathogenic. Last evaluated: 2026-01-26. Review status: criteria provided, single submitter. Criteria: Invitae Variant Classification Sherloc (09022015). Collection method: clinical testing. Allele origin: germline.
Comment: This sequence change creates a premature translational stop signal (p.Arg677*) in the RP1 gene. While this is not anticipated to result in nonsense mediated decay, it is expected to disrupt the last 1480 amino acid(s) of the RP1 protein. This variant is not present in population databases (gnomAD no frequency). This premature translational stop signal has been observed in individuals with autosomal dominant retinitis pigmentosa (PMID: 10391211, 29847639). It has also been observed to segregate with disease in related individuals. ClinVar contains an entry for this variant (Variation ID: 5965). This variant disrupts the C-terminus of the RP1 protein. Many variants that disrupt this region have been reported in individuals with either autosomal dominant or autosomal recessive retinitis pigmentosa (PMID: 11527933, 19933189, 29425069, 30027431, 33681214). Therefore, variants that disrupt this region are expected to be disease-causing. For these reasons, this variant has been classified as Pathogenic.

3billion
Classification: Pathogenic for Retinitis pigmentosa 1. Last evaluated: 2025-06-26. Review status: criteria provided, single submitter. Criteria: ACMG Guidelines, 2015. Collection method: clinical testing. Allele origin: germline. Affected: yes.
Comment: The variant is observed at an extremely low frequency in the gnomAD v4.1.0 dataset (total allele frequency: <0.001%). Predicted Consequence/Location: Stop-gained (nonsense): predicted to result in a loss or disruption of normal protein function through protein truncation. Multiple pathogenic variants are reported in the predicted truncated region. The variant has been reported at least twice as pathogenic with clinical assertions and evidence for the classification (ClinVar ID: VCV000005965 /PMID: 10391211 /3billion dataset). Therefore, this variant is classified as Pathogenic according to the recommendation of ACMG/AMP guideline.

Revvity Omics, Revvity
Classification: Pathogenic for Retinitis pigmentosa 1. Last evaluated: 2025-05-16. Review status: criteria provided, single submitter. Criteria: ACMG Guidelines, 2015. Collection method: clinical testing. Allele origin: germline.

Institute of Human Genetics, University of Leipzig Medical Center
Classification: Pathogenic for Retinitis pigmentosa 1. Last evaluated: 2024-12-10. Review status: criteria provided, single submitter. Criteria: ACMG Guidelines, 2015. Collection method: clinical testing. Allele origin: de novo. Inheritance: Autosomal dominant inheritance. Affected: yes.
Comment: Criteria applied: PVS1,PS4,PS2_MOD

Blueprint Genetics
Classification: Pathogenic for RP1-related disorders. Last evaluated: 2024-11-27. Review status: criteria provided, single submitter. Criteria: ACMG Guidelines, 2015. Collection method: clinical testing. Allele origin: germline. Affected: yes. Observed: 5 variant alleles.

GeneDx
Classification: Pathogenic. Last evaluated: 2024-10-29. Review status: criteria provided, single submitter. Criteria: GeneDx Variant Classification Process June 2021. Collection method: clinical testing. Allele origin: germline. Affected: yes.
Comment: Nonsense variant predicted to result in protein truncation, as the last 1480 amino acid(s) are lost, and other loss-of-function variants have been reported downstream in HGMD; Not observed at significant frequency in large population cohorts (gnomAD); This variant is associated with the following publications: (PMID: 10391212, 32795431, 32193659, 8931712, 1783394, 10401003, 29425069, 29630435, 29881650, 23757202, 29847639, 30913292, 31054281, 32581362, 33576794, 33144682, 32037395, 32326409, 35886928, 28761320, 33608557, 36460718, 31213501, 36819107, 37217489, 33749171, 36284460, 37734845, 34906470, 32565670, 34073704, 35814500, 33598457, 31736247, 38219857, 12882812, 10391211)

Dept Of Ophthalmology, Nagoya University
Classification: Pathogenic for Retinal dystrophy. Last evaluated: 2023-10-01. Review status: criteria provided, single submitter. Criteria: Submitter's publication. Collection method: research. Allele origin: germline. Affected: yes.

Genetics and Molecular Pathology, SA Pathology
Classification: Pathogenic for Retinitis pigmentosa 1. Last evaluated: 2022-02-03. Review status: criteria provided, single submitter. Criteria: ACMG Guidelines, 2015. Collection method: clinical testing. Allele origin: germline. Affected: yes.

Institute of Human Genetics, Univ. Regensburg, Univ. Regensburg
Classification: Pathogenic for Retinal dystrophy. Last evaluated: 2022-01-01. Review status: criteria provided, single submitter. Criteria: ACMG Guidelines, 2015. Collection method: clinical testing. Allele origin: germline. Affected: yes.

Ocular Genomics Institute, Massachusetts Eye and Ear
Classification: Pathogenic for Retinitis pigmentosa 1. Last evaluated: 2021-04-08. Review status: criteria provided, single submitter. Criteria: ACMG Guidelines, 2015. Collection method: research. Allele origin: germline. Affected: yes.
Comment: Through a review of available evidence we were able to apply the following criteria: PVS1, PS3, PM2, PP1. Based on this evidence we have classified this variant as Pathogenic.

Institute of Medical Genetics and Applied Genomics, University Hospital Tübingen
Classification: Pathogenic. Last evaluated: 2020-10-23. Review status: criteria provided, single submitter. Criteria: ACMG Guidelines, 2015. Collection method: clinical testing. Allele origin: germline. Inheritance: Autosomal unknown. Affected: yes.

Eurofins Ntd Llc (ga)
Classification: Pathogenic. Last evaluated: 2013-07-25. Review status: criteria provided, single submitter. Criteria: EGL Classification Definitions 2015. Collection method: clinical testing. Allele origin: germline. Observed: 3 variant alleles, 3 heterozygotes.

OMIM
Classification: Pathogenic for RETINITIS PIGMENTOSA 1. Last evaluated: 1999-08-01. Review status: no assertion criteria provided. Collection method: literature only. Allele origin: germline. Not counted in ClinVar's aggregate classification.

Clinical Genetics, Academic Medical Center
Classification: Pathogenic. Review status: no assertion criteria provided. Collection method: clinical testing. Allele origin: germline. Affected: yes. Study: VKGL Data-share Consensus. Not counted in ClinVar's aggregate classification.

Joint Genome Diagnostic Labs from Nijmegen and Maastricht, Radboudumc and MUMC+
Classification: Pathogenic. Review status: no assertion criteria provided. Collection method: clinical testing. Allele origin: germline. Affected: yes. Study: VKGL Data-share Consensus. Not counted in ClinVar's aggregate classification.

NM_006269.2(RP1):c.2029C>T (p.Arg677Ter)

Gene: RP1 (RP1 axonemal microtubule associated; plus strand). Cytogenetic location: 8q12.1.
Variant type: single nucleotide variant.
Coding change: c.2029C>T on transcript NM_006269.2 (MANE Select); coding-DNA position 2029, C replaced by T.
Protein change: p.Arg677Ter; replaces arginine 677 with a stop codon.
Molecular consequence: nonsense.
Genome position (GRCh38, 1-based): chr8:54,625,911, C>T. VCF-style: chr8-54625911-C-T. GRCh37 (hg19) VCF-style: chr8-55538471-C-T.
Other names: short protein forms R677*.
Identifiers: ClinVar variation 5965 (VCV000005965.34), dbSNP rs104894082, ClinGen allele CA253665.